The following is an entry in ClinVar:

ClinVar aggregate classification (germline): Pathogenic (1 of 4 stars; one submission).

Conditions:
Hereditary cancer-predisposing syndrome. Also called: Tumor predisposition; Hereditary Cancer Syndrome; Hereditary neoplastic syndrome; Neoplastic Syndromes, Hereditary. Identifiers: Orphanet 140162, MedGen C0027672, MeSH D009386, MONDO:0015356.

Submission:

GeneDx
Classification: Pathogenic for Neoplastic Syndromes, Hereditary. Last evaluated: 2014-05-19. Review status: criteria provided, single submitter. Criteria: GeneDx Variant Classification (06012015). Collection method: clinical testing. Allele origin: germline. Affected: yes.
Comment: This duplication of 2 nucleotides is denoted MSH6 c. 3524_3525insAC (aka c.3523_3524dupAC) at the cDNA level and p.Arg1176LeufsX9 (R1176LfsX9) at the protein level. The normal sequence, with the bases that are duplicated in brackets, is GTTT{AC}TAGA. The duplication causes a frameshift, which changes an Arginine to a Leucine at codon 1176 in exon 6, and creates a premature stop codon at position 9 of the new reading frame. Although this mutation has not, to our knowledge, been reported in the literature, it is predicted to cause loss of normal protein function through either protein truncation or nonsense-mediated mRNA decay. We consider this mutation to be pathogenic. and is indicative of Lynch syndrome, an autosomal dominant condition that predisposes to colorectal and endometrial cancer as well as other cancers. The predominant MSH6-related cancer risks for individuals who have not been diagnosed with cancer have been estimated as 44% lifetime risk for colorectal cancer for men, 20% lifetime risk for colorectal cancer in women, 44% lifetime risk for endometrial cancer and 1-11% risk for ovarian cancer in women (Baglietto 2010, Kohlmann 2012). MSH6 carriers also have an increased risk for ovarian, stomach, biliary tract, small bowel, urothelium, and brain cancers (Baglietto 2010). A recent prospective study reported an increased risk for breast cancer and pancreatic cancer in individuals with Lynch syndrome (Win 2012). Some individuals with Lynch syndrome have sebaceous neoplasms of the skin (Muir Torre variant) or glioblastomas (Turcot variant). Individuals with Lynch syndrome who have been diagnosed with colon or endometrial cancers have an increased risk for a second primary diagnosis of a Lynch syndrome-associated cancer (Palomaki 2009, Win 2013).Constitutional mismatch repair deficiency (CMMR-D) syndrome is a rare autosomal recessive condition caused by two mutations (one affecting each allele) of the mismatch repair genes including MSH6 This condition is characterized by an increased risk for certain cancers in children including hematologic malignancies, brain tumors, and colon cancer as well as multiple adenomatous polyps and café-au-lait macules (Durno 2010, Wimmer 2010). If a MSH6 mutation carrier's partner is also heterozygous for a MSH6 mutation, the risk to have a child with CMMR-D is 25% with each pregnancy. The variant is found in COLYNCH-HEREDIC panel(s).

NM_000179.3(MSH6):c.3523_3524dup (p.Arg1176fs)

Gene: MSH6 (mutS homolog 6; plus strand). Cytogenetic location: 2p16.3.
Variant type: Duplication.
Coding change: c.3523_3524dup on transcript NM_000179.3 (MANE Select); coding-DNA positions 3523 to 3524, 2 bases duplicated (AC; older notation c.3523_3524dupAC).
Protein change: p.Arg1176fs; shifts the reading frame from arginine 1176.
Molecular consequence: frameshift variant.
Genome position (GRCh38, 1-based): chr2:47,804,994-47,804,995, AC duplicated. VCF-style (leftmost placement, unchanged base first): chr2-47804993-T-TAC. GRCh37 (hg19) VCF-style: chr2-48032132-T-TAC.
Other names: c.3133_3134dup, p.Arg1046fs (NM_001281492.2); c.2617_2618dup, p.Arg874fs (NM_001281493.2, NM_001281494.2); c.3524_3525insAC (NM_000179.2); short protein forms R1046fs, R874fs, R1176fs.
Identifiers: ClinVar variation 182681 (VCV000182681.1), dbSNP rs730881828, ClinGen allele CA013291.